The following is an entry in ClinVar:

NM_001271.4(CHD2):c.3957G>T (p.Lys1319Asn)

Gene: CHD2 (chromodomain helicase DNA binding protein 2; plus strand). Cytogenetic location: 15q26.1.
Variant type: single nucleotide variant.
Coding change: c.3957G>T on transcript NM_001271.4 (MANE Select); coding-DNA position 3957, G replaced by T.
Protein change: p.Lys1319Asn; replaces lysine 1319 with asparagine.
Molecular consequence: missense variant.
Genome position (GRCh38, 1-based): chr15:92,998,570, G>T. VCF-style: chr15-92998570-G-T. GRCh37 (hg19) VCF-style: chr15-93541800-G-T.
Other names: short protein forms K1319N.
Identifiers: ClinVar variation 1505841 (VCV001505841.6), dbSNP rs2141868905, ClinGen allele CA393899613.

ClinVar aggregate classification (germline): Uncertain significance (1 of 4 stars; one submission).

Conditions:
Developmental and epileptic encephalopathy 94 (DEE94). Also called: Epileptic encephalopathy, childhood-onset; CHD2-Related Neurodevelopmental Disorders. Identifiers: Orphanet 1942, Orphanet 2382, MedGen C3809278, MONDO:0014150, OMIM 615369.

Submission:

Labcorp Genetics (formerly Invitae), Labcorp
Classification: Uncertain significance for Developmental and epileptic encephalopathy 94. Last evaluated: 2022-06-27. Review status: criteria provided, single submitter. Criteria: Invitae Variant Classification Sherloc (09022015). Collection method: clinical testing. Allele origin: germline.
Comment: This variant has not been reported in the literature in individuals affected with CHD2-related conditions. In summary, the available evidence is currently insufficient to determine the role of this variant in disease. Therefore, it has been classified as a Variant of Uncertain Significance. Advanced modeling of protein sequence and biophysical properties (such as structural, functional, and spatial information, amino acid conservation, physicochemical variation, residue mobility, and thermodynamic stability) performed at Invitae indicates that this missense variant is not expected to disrupt CHD2 protein function. This variant is not present in population databases (gnomAD no frequency). This sequence change replaces lysine, which is basic and polar, with asparagine, which is neutral and polar, at codon 1319 of the CHD2 protein (p.Lys1319Asn).